The following is an entry in ClinVar:

NM_001142800.2(EYS):c.6229G>A (p.Val2077Ile)

Gene: EYS (eyes shut homolog; minus strand). Cytogenetic location: 6q12.
Variant type: single nucleotide variant.
Coding change: c.6229G>A on transcript NM_001142800.2 (MANE Select); coding-DNA position 6229, G replaced by A.
Protein change: p.Val2077Ile; replaces valine 2077 with isoleucine.
Molecular consequence: missense variant.
Genome position (GRCh38, 1-based): chr6:64,230,787, C>T on the plus strand (G>A on the coding strand, the complement: EYS is on the minus strand). VCF-style: chr6-64230787-C-T. GRCh37 (hg19) VCF-style: chr6-64940680-C-T.
Other names: c.6229G>A, p.Val2077Ile (NM_001292009.2); short protein forms V2077I.
Identifiers: ClinVar variation 498880 (VCV000498880.7), dbSNP rs1214579712, ClinGen allele CA364391567.
Genomic context (GRCh38, chr6:64,230,787, plus strand): 5'-CAGAGGGGCTGACAGAAGTCCACATGGTATCAACCCCTTGTGTCACATCAGAAGCATCAA[C>T]AAAGGAGGCTGTTGGAGACAGCATAAATCCCTGGGATCTGTGATTTATAAACAGACAAGA-3'
Protein context (NP_001136272.1, residues 2067-2087): GFMLSPTASF[Val2077Ile]DASDVTQGVD

ClinVar aggregate classification (germline): Uncertain significance. Review status: criteria provided, multiple submitters, no conflicts (2 of 4 stars). 2 submissions from 2 submitters: Uncertain significance (2). Last evaluated 2022-04-12.

Allele frequency attached by ClinVar (database versions not stated): gnomAD below 0.00001 and 0.00001; gnomAD exomes 0.00001 and 0.00002.
gnomAD v4.1: 21 of 1,550,698 alleles (0.0014%); highest among the groups gnomAD compares: South Asian, 0.024%; 1 homozygote.

Submissions (2):

Labcorp Genetics (formerly Invitae), Labcorp
Classification: Uncertain significance. Last evaluated: 2022-04-12. Review status: criteria provided, single submitter. Criteria: Invitae Variant Classification Sherloc (09022015). Collection method: clinical testing. Allele origin: germline.
Comment: This sequence change replaces valine, which is neutral and non-polar, with isoleucine, which is neutral and non-polar, at codon 2077 of the EYS protein (p.Val2077Ile). This variant is present in population databases (no rsID available, gnomAD 0.01%). This variant has not been reported in the literature in individuals affected with EYS-related conditions. ClinVar contains an entry for this variant (Variation ID: 498880). Algorithms developed to predict the effect of missense changes on protein structure and function output the following: SIFT: "Tolerated"; PolyPhen-2: "Benign"; Align-GVGD: "Class C0". The isoleucine amino acid residue is found in multiple mammalian species, which suggests that this missense change does not adversely affect protein function. In summary, the available evidence is currently insufficient to determine the role of this variant in disease. Therefore, it has been classified as a Variant of Uncertain Significance.

Eurofins Ntd Llc (ga)
Classification: Uncertain significance. Last evaluated: 2018-06-14. Review status: criteria provided, single submitter. Criteria: EGL ClinVar v180209 classification definitions. Collection method: clinical testing. Allele origin: germline. Observed: 1 variant allele, 1 heterozygote.